The following is an entry in ClinVar:

ClinVar aggregate classification (germline): Conflicting classifications of pathogenicity. Review status: criteria provided, conflicting classifications (1 of 4 stars). 3 submissions from 3 submitters: Uncertain significance (1); Likely benign (2). Last evaluated 2025-12-24.

Conditions:
Primary ciliary dyskinesia. Also called: Ciliary dyskinesia. Identifiers: Orphanet 244, MedGen C0008780, MONDO:0016575, HP:0012265.

Allele frequency attached by ClinVar (database versions not stated): ExAC 0.00003; gnomAD exomes 0.00004; gnomAD 0.00007; TOPMed 0.00008; ESP Exome Variant Server 0.00016; 1000 Genomes Project 0.00020; 1000 Genomes Project 30x 0.00031.
gnomAD v4.1: 127 of 1,612,902 alleles (0.0079%); highest among the groups gnomAD compares: Middle Eastern, 0.017%; no homozygotes.

Submissions (3):

Labcorp Genetics (formerly Invitae), Labcorp
Classification: Likely benign for Primary ciliary dyskinesia. Last evaluated: 2025-12-24. Review status: criteria provided, single submitter. Criteria: Invitae Variant Classification Sherloc (09022015). Collection method: clinical testing. Allele origin: germline.

Blueprint Genetics
Classification: Likely benign. Last evaluated: 2024-11-27. Review status: criteria provided, single submitter. Criteria: ACMG Guidelines, 2015. Collection method: clinical testing. Allele origin: germline.

Ambry Genetics
Classification: Uncertain significance for Primary ciliary dyskinesia. Last evaluated: 2021-12-20. Review status: criteria provided, single submitter. Criteria: Ambry Variant Classification Scheme 2023. Collection method: clinical testing. Allele origin: germline.
Comment: The c.660C>T variant (also known as p.F220F), located in coding exon 4 of the CCDC40 gene. This variant results from a C to T substitution at nucleotide position 660. This nucleotide substitution does not change the phenylalanine at codon 220. This nucleotide position is not well conserved in available vertebrate species. In silico splice site analysis for this alteration is inconclusive. Since supporting evidence is limited at this time, the clinical significance of this alteration remains unclear.

NM_017950.4(CCDC40):c.660C>T (p.Phe220=)

Gene: CCDC40 (coiled-coil domain 40 molecular ruler complex subunit; plus strand). Cytogenetic location: 17q25.3.
Variant type: single nucleotide variant.
Coding change: c.660C>T on transcript NM_017950.4 (MANE Select); coding-DNA position 660, C replaced by T.
Protein change: p.Phe220=; no amino-acid change (phenylalanine 220 retained).
Molecular consequence: synonymous variant.
Genome position (GRCh38, 1-based): chr17:80,047,386, C>T. VCF-style: chr17-80047386-C-T. GRCh37 (hg19) VCF-style: chr17-78021185-C-T.
Other names: c.660C>T, p.Phe220= (NM_001243342.2, NM_001330508.2).
Identifiers: ClinVar variation 525539 (VCV000525539.12), dbSNP rs200678214, ClinGen allele CA8813515.
Genomic context (GRCh38, chr17:80,047,386, plus strand): 5'-CCAGCACCGCTTCCGGCTGAGCCACGGGAGCGACATCGAGTCCTCAGACCTGGAGGAGTT[C>T]GTCTCGCAGGAGCCAGGTGCCACCCACCTGCTGAGGTCACCCTGCCCTGGCGATGAGCCA-3'
Protein context (NP_060420.2, residues 210-230): SDIESSDLEE[Phe220=]VSQEPVIPPG